The following is an entry in ClinVar:

NM_133433.4(NIPBL):c.1190C>T (p.Pro397Leu)

Gene: NIPBL (NIPBL cohesin loading factor; plus strand). Cytogenetic location: 5p13.2.
Variant type: single nucleotide variant.
Coding change: c.1190C>T on transcript NM_133433.4 (MANE Select); coding-DNA position 1190, C replaced by T.
Protein change: p.Pro397Leu; replaces proline 397 with leucine.
Molecular consequence: missense variant.
Genome position (GRCh38, 1-based): chr5:36,976,097, C>T. VCF-style: chr5-36976097-C-T. GRCh37 (hg19) VCF-style: chr5-36976199-C-T.
Other names: c.1190C>T, p.Pro397Leu (NM_015384.5); short protein forms P397L.
Identifiers: ClinVar variation 2892701 (VCV002892701.3), dbSNP rs2479125893, ClinGen allele CA359485746.

ClinVar aggregate classification (germline): Uncertain significance (1 of 4 stars; one submission).

Conditions:
Cornelia de Lange syndrome 1 (CDLS1). Also called: TYPUS DEGENERATIVUS AMSTELODAMENSIS; Brachmann de Lange syndrome; NIPBL-Related Cornelia de Lange Syndrome. Identifiers: Orphanet 199, MedGen C4551851, MONDO:0007387, OMIM 122470.

Submission:

Labcorp Genetics (formerly Invitae), Labcorp
Classification: Uncertain significance for Cornelia de Lange syndrome 1. Last evaluated: 2023-05-23. Review status: criteria provided, single submitter. Criteria: Invitae Variant Classification Sherloc (09022015). Collection method: clinical testing. Allele origin: germline.
Comment: Advanced modeling of protein sequence and biophysical properties (such as structural, functional, and spatial information, amino acid conservation, physicochemical variation, residue mobility, and thermodynamic stability) has been performed at Invitae for this missense variant, however the output from this modeling did not meet the statistical confidence thresholds required to predict the impact of this variant on NIPBL protein function. In summary, the available evidence is currently insufficient to determine the role of this variant in disease. Therefore, it has been classified as a Variant of Uncertain Significance. This variant has not been reported in the literature in individuals affected with NIPBL-related conditions. This variant is not present in population databases (gnomAD no frequency). This sequence change replaces proline, which is neutral and non-polar, with leucine, which is neutral and non-polar, at codon 397 of the NIPBL protein (p.Pro397Leu).